The following is an entry in ClinVar:

NM_030777.4(SLC2A10):c.905C>G (p.Ala302Gly)

Gene: SLC2A10 (solute carrier family 2 member 10; plus strand). Cytogenetic location: 20q13.12.
Variant type: single nucleotide variant.
Coding change: c.905C>G on transcript NM_030777.4 (MANE Select); coding-DNA position 905, C replaced by G.
Protein change: p.Ala302Gly; replaces alanine 302 with glycine.
Molecular consequence: missense variant.
Genome position (GRCh38, 1-based): chr20:46,725,941, C>G. VCF-style: chr20-46725941-C-G. GRCh37 (hg19) VCF-style: chr20-45354580-C-G.
Other names: short protein forms A302G.
Identifiers: ClinVar variation 2196714 (VCV002196714.4), dbSNP rs1269792513, ClinGen allele CA409268546.

ClinVar aggregate classification (germline): Uncertain significance (1 of 4 stars; one submission).

Conditions:
Arterial tortuosity syndrome (ATORS). Identifiers: Orphanet 3342, MedGen C1859726, MONDO:0008818, OMIM 208050.

Allele frequency attached by ClinVar (database versions not stated): gnomAD 0.00001.
gnomAD v4.1: 2 of 1,613,828 alleles (0.00012%); highest among the groups gnomAD compares: East Asian, 0.0045%; no homozygotes.

Submission:

Labcorp Genetics (formerly Invitae), Labcorp
Classification: Uncertain significance for Arterial tortuosity syndrome. Last evaluated: 2022-04-24. Review status: criteria provided, single submitter. Criteria: Invitae Variant Classification Sherloc (09022015). Collection method: clinical testing. Allele origin: germline.
Comment: In summary, the available evidence is currently insufficient to determine the role of this variant in disease. Therefore, it has been classified as a Variant of Uncertain Significance. Advanced modeling of protein sequence and biophysical properties (such as structural, functional, and spatial information, amino acid conservation, physicochemical variation, residue mobility, and thermodynamic stability) performed at Invitae indicates that this missense variant is not expected to disrupt SLC2A10 protein function. This variant has not been reported in the literature in individuals affected with SLC2A10-related conditions. This variant is present in population databases (no rsID available, gnomAD 0.01%). This sequence change replaces alanine, which is neutral and non-polar, with glycine, which is neutral and non-polar, at codon 302 of the SLC2A10 protein (p.Ala302Gly).